The following is an entry in ClinVar:

NM_025074.7(FRAS1):c.688-13T>C

Gene: FRAS1 (Fraser extracellular matrix complex subunit 1; plus strand). Cytogenetic location: 4q21.21.
Variant type: single nucleotide variant.
Coding change: c.688-13T>C on transcript NM_025074.7 (MANE Select); 13 bases into the intron before coding-DNA position 688, T replaced by C.
Molecular consequence: intron variant.
Genome position (GRCh38, 1-based): chr4:78,266,821, T>C. VCF-style: chr4-78266821-T-C. GRCh37 (hg19) VCF-style: chr4-79187975-T-C.
Other names: c.688-13T>C (NM_001166133.2).
Identifiers: ClinVar variation 349667 (VCV000349667.13), dbSNP rs144657066, ClinGen allele CA2976051.

ClinVar aggregate classification (germline): Benign. Review status: criteria provided, multiple submitters, no conflicts (2 of 4 stars). 3 submissions from 3 submitters: Benign (3). Last evaluated 2026-02-01.

Conditions:
Fraser syndrome 1 (FRASRS1). Also called: CRYPTOPHTHALMOS WITH OTHER MALFORMATIONS. Identifiers: Orphanet 2052, MedGen C4551480, MONDO:0054737, OMIM 219000.

Allele frequency attached by ClinVar (database versions not stated): gnomAD exomes 0.00057 and 0.00139; ExAC 0.00404; ESP Exome Variant Server 0.00492; 1000 Genomes Project 30x 0.00547; 1000 Genomes Project 0.00559; gnomAD 0.00581 and 0.00629; TOPMed 0.00662.
gnomAD v4.1: 1,715 of 1,580,536 alleles (0.11%); highest among the groups gnomAD compares: African/African-American, 2.1%; 20 homozygotes.

Submissions (3):

Labcorp Genetics (formerly Invitae), Labcorp
Classification: Benign. Last evaluated: 2026-02-01. Review status: criteria provided, single submitter. Criteria: Invitae Variant Classification Sherloc (09022015). Collection method: clinical testing. Allele origin: germline.

Illumina Laboratory Services, Illumina
Classification: Benign for Fraser syndrome 1. Last evaluated: 2018-01-12. Review status: criteria provided, single submitter. Criteria: ICSL Variant Classification Criteria 13 December 2019. Collection method: clinical testing. Allele origin: germline.
Comment: This variant was observed in the ICSL laboratory as part of a predisposition screen in an ostensibly healthy population. It had not been previously curated by ICSL or reported in the Human Gene Mutation Database (HGMD: prior to June 1st, 2018), and was therefore a candidate for classification through an automated scoring system. Utilizing variant allele frequency, disease prevalence and penetrance estimates, and inheritance mode, an automated score was calculated to assess if this variant is too frequent to cause the disease. Based on the score and internal cut-off values, a variant classified as benign is not then subjected to further curation. The score for this variant resulted in a classification of benign for this disease.

Breakthrough Genomics
Classification: Benign. Review status: criteria provided, single submitter. Criteria: ACMG Guidelines, 2015. Collection method: not provided. Allele origin: germline. Inheritance: Autosomal recessive inheritance. Affected: yes.